The following is an entry in ClinVar:

ClinVar aggregate classification (germline): Uncertain significance (1 of 4 stars; one submission).

Conditions:
EGFR-related lung cancer (EGFR). Identifiers: MedGen CN130014.

Submission:

Labcorp Genetics (formerly Invitae), Labcorp
Classification: Uncertain significance for EGFR-related lung cancer. Last evaluated: 2024-04-08. Review status: criteria provided, single submitter. Criteria: Invitae Variant Classification Sherloc (09022015). Collection method: clinical testing. Allele origin: germline.
Comment: This sequence change replaces threonine, which is neutral and polar, with isoleucine, which is neutral and non-polar, at codon 502 of the EGFR protein (p.Thr502Ile). This variant is not present in population databases (gnomAD no frequency). This variant has not been reported in the literature in individuals affected with EGFR-related conditions. Algorithms developed to predict the effect of missense changes on protein structure and function output the following: SIFT: "Not Available"; PolyPhen-2: "Benign"; Align-GVGD: "Not Available". The isoleucine amino acid residue is found in multiple mammalian species, which suggests that this missense change does not adversely affect protein function. In summary, the available evidence is currently insufficient to determine the role of this variant in disease. Therefore, it has been classified as a Variant of Uncertain Significance.

NM_005228.5(EGFR):c.1505C>T (p.Thr502Ile)

Gene: EGFR (epidermal growth factor receptor; plus strand). Cytogenetic location: 7p11.2.
Variant type: single nucleotide variant.
Coding change: c.1505C>T on transcript NM_005228.5 (MANE Select); coding-DNA position 1505, C replaced by T.
Protein change: p.Thr502Ile; replaces threonine 502 with isoleucine.
Molecular consequence: missense variant.
Genome position (GRCh38, 1-based): chr7:55,161,505, C>T. VCF-style: chr7-55161505-C-T. GRCh37 (hg19) VCF-style: chr7-55229198-C-T.
Other names: c.1370C>T, p.Thr457Ile (NM_001346897.2, NM_001346899.2); c.1505C>T, p.Thr502Ile (NM_001346898.2, NM_201282.2, NM_201284.2); c.1346C>T, p.Thr449Ile (NM_001346900.2); c.704C>T, p.Thr235Ile (NM_001346941.2); short protein forms T449I, T235I, T457I, T502I.
Identifiers: ClinVar variation 2855229 (VCV002855229.3), dbSNP rs2128942686, ClinGen allele CA367579776.
Genomic context (GRCh38, chr7:55,161,505, plus strand): 5'-CCCCTCGGGTCCCTGCTCTGTCACTGACTGCTGTGACCCACTCTGTCTCCGCAGAGGCCA[C>T]AGGCCAGGTCTGCCATGCCTTGTGCTCCCCCGAGGGCTGCTGGGGCCCGGAGCCCAGGGA-3'
Protein context (NP_005219.2, residues 492-512): SNRGENSCKA[Thr502Ile]GQVCHALCSP